The following is an entry in ClinVar:

ClinVar aggregate classification (germline): Uncertain significance (1 of 4 stars; one submission).

gnomAD v4.1: 1 of 1,548,318 alleles (0.000065%); highest among the groups gnomAD compares: Non-Finnish European, 0.000087%; no homozygotes.

Submission:

GeneDx
Classification: Uncertain significance. Last evaluated: 2024-11-01. Review status: criteria provided, single submitter. Criteria: GeneDx Variant Classification Process June 2021. Collection method: clinical testing. Allele origin: germline. Affected: yes.
Comment: Reported as an incidental finding in a cohort of individuals undergoing clinical exome sequencing; additional clinical detail was not provided (PMID: 33226272); Canonical splice site variant with an unclear effect on protein function; Not observed at significant frequency in large population cohorts (gnomAD); This variant is associated with the following publications: (PMID: 33226272)

NM_001267550.2(TTN):c.10678+2T>G

Gene: TTN (titin; minus strand). Cytogenetic location: 2q31.2.
Variant type: single nucleotide variant.
Coding change: c.10678+2T>G on transcript NM_001267550.2 (MANE Select); the canonical splice donor site of the intron after coding-DNA position 10678, T replaced by G.
Molecular consequence: splice donor variant. On other transcripts: intron variant (5).
Genome position (GRCh38, 1-based): chr2:178,757,540, A>C on the plus strand (T>G on the coding strand, the complement: TTN is on the minus strand). VCF-style: chr2-178757540-A-C. GRCh37 (hg19) VCF-style: chr2-179622267-A-C.
Other names: c.10303+1444T>G (NM_133378.4, NM_001256850.1, NM_133379.5); c.10165+1444T>G (NM_003319.4); c.10166-743T>G (NM_133437.4); c.10540+2T>G (NM_133432.3).
Identifiers: ClinVar variation 3897249 (VCV003897249.1).